The following is an entry in ClinVar:

ClinVar aggregate classification (germline): Pathogenic. Review status: criteria provided, single submitter (1 of 4 stars). 2 submissions from 1 submitter: Pathogenic (2). Last evaluated 2016-07-01.

Conditions:
Sotos syndrome (SOTOS). Also called: Distinctive facial appearance, overgrowth in childhood, and learning disabilities or delayed development; SOTOS SYNDROME 1; Sotos' syndrome; CHROMOSOME 5q35 DELETION SYNDROME; CEREBRAL GIGANTISM. Identifiers: Orphanet 821, MedGen C0175695, MONDO:0019349, OMIM 117550.
Beckwith-Wiedemann syndrome (BWS). Also called: EMG SYNDROME; Exomphalos macroglossia gigantism syndrome. Identifiers: Orphanet 116, MedGen C0004903, MONDO:0007534, OMIM 130650.

Submissions (2):

Labcorp Genetics (formerly Invitae), Labcorp
Classification: Pathogenic for Beckwith-Wiedemann syndrome. Last evaluated: 2016-07-01. Review status: criteria provided, single submitter. Criteria: Invitae Variant Classification Sherloc (09022015). Collection method: clinical testing. Allele origin: germline.
Comment: This sequence change inserts 2 nucleotide in exon 5 of the NSD1 mRNA (c.3548_3549insGA), causing a frameshift at codon 1184. This creates a premature translational stop signal (p.Glu1184Metfs*36) and is expected to result in an absent or disrupted protein product. While this particular variant has not been reported in the literature, truncating variants in NSD1 are known to be pathogenic (PMID: 12807965, 15942875, 17565729). For these reasons, this variant has been classified as Pathogenic.

Labcorp Genetics (formerly Invitae), Labcorp
Classification: Pathogenic. Last evaluated: 2016-07-01. Review status: criteria provided, single submitter. Criteria: Invitae Variant Classification Sherloc (09022015). Collection method: clinical testing. Allele origin: germline.
Comment: the same text as in the submission from Labcorp Genetics (formerly Invitae), Labcorp above.

Literature cited by the submitters: PubMed 12807965; PubMed 15942875; PubMed 17565729.

NM_022455.5(NSD1):c.3548_3549insGA (p.Glu1184fs)

Gene: NSD1 (nuclear receptor binding SET domain protein 1; plus strand). Cytogenetic location: 5q35.3.
Variant type: Insertion.
Coding change: c.3548_3549insGA on transcript NM_022455.5 (MANE Select); coding-DNA positions 3548 to 3549, GA inserted.
Protein change: p.Glu1184fs; shifts the reading frame from glutamic acid 1184.
Molecular consequence: frameshift variant.
Genome position: GRCh38 VCF-style: chr5-177211947-C-CGA. GRCh37 (hg19) VCF-style: chr5-176638948-C-CGA.
Other names: c.2675_2676insGA, p.Glu893Metfs (NM_001365684.2, NM_001409306.1, NM_001409307.1 and 3 more transcripts); c.3548_3549insGA, p.Glu1184Metfs (NM_001409301.1, NM_001409302.1, NM_001409303.1); c.3128_3129insGA, p.Glu1044Metfs (NM_001409304.1); c.2795_2796insGA, p.Glu933Metfs (NM_001409305.1); short protein forms E1184fs, E915fs.
Identifiers: ClinVar variation 241434 (VCV000241434.6), dbSNP rs878855075, ClinGen allele CA10582414.